The following is an entry in ClinVar:

ClinVar aggregate classification (germline): Pathogenic/Likely pathogenic. Review status: criteria provided, multiple submitters, no conflicts (2 of 4 stars). 13 submissions from 13 submitters: Pathogenic (11); Likely pathogenic (1). 1 of the submissions does not count toward it. Last evaluated 2026-08-27.

Conditions:
Intellectual disability, X-linked, with or without seizures, ARX-related. Also called: Mental retardation, X-linked 52; INTELLECTUAL DEVELOPMENTAL DISORDER, X-LINKED 29; MENTAL RETARDATION, X-LINKED 29; MENTAL RETARDATION, X-LINKED 32; MENTAL RETARDATION, X-LINKED 33; MENTAL RETARDATION, X-LINKED 38. Identifiers: Orphanet 777, MedGen C0796244, MONDO:0010317, OMIM 300419.
Developmental and epileptic encephalopathy, 1 (DEE1). Also called: INFANTILE SPASM SYNDROME, X-LINKED 1; X-linked infantile spasms; West's syndrome; Epileptic encephalopathy, early infantile, 1; Tonic spasms with clustering, arrest of psychomotor development and hypsarrhythmia on EEG; X-Linked Infantile Spasm Syndrome. Identifiers: MedGen C3463992, MONDO:0010632, OMIM 308350. Disease mechanism: loss of function.
Inborn genetic diseases. Identifiers: MedGen C0950123, MeSH D030342.
West syndrome. Also called: Infantile epileptic spasms syndrome. Identifiers: Orphanet 3451, Orphanet 697160, MedGen C0037769, MONDO:0018097. Disease mechanism: loss of function.
Partington syndrome (PRTS). Also called: Mental retardation-dystonic movements-ataxia-seizures syndrome; MENTAL RETARDATION, X-LINKED 36; MENTAL RETARDATION, X-LINKED, SYNDROMIC 1; MENTAL RETARDATION, X-LINKED, WITH DYSTONIC MOVEMENTS, ATAXIA, AND SEIZURES. Identifiers: Orphanet 94083, MedGen C0796250, MONDO:0010654, OMIM 309510.
X-linked lissencephaly with abnormal genitalia. Identifiers: Orphanet 452, MedGen C1846171, MONDO:0010268, OMIM 300215.
Corpus callosum agenesis-abnormal genitalia syndrome. Also called: PROUD SYNDROME; ACC WITH ABNORMAL GENITALIA. Identifiers: Orphanet 2508, MedGen C0796124, MONDO:0010224, OMIM 300004.

Submissions 1 to 8 of 13:

Institute of Human Genetics, University of Leipzig Medical Center
Classification: Pathogenic for Developmental and epileptic encephalopathy, 1. Last evaluated: 2026-08-27. Review status: criteria provided, single submitter. Criteria: ACMG Guidelines, 2015. Collection method: clinical testing. Allele origin: unknown. Inheritance: X-linked recessive inheritance. Affected: yes.

Labcorp Genetics (formerly Invitae), Labcorp
Classification: Pathogenic for Developmental and epileptic encephalopathy, 1; Intellectual disability, X-linked, with or without seizures, ARX-related. Last evaluated: 2025-09-17. Review status: criteria provided, single submitter. Criteria: Invitae Variant Classification Sherloc (09022015). Collection method: clinical testing. Allele origin: germline.
Comment: This variant, c.315_335dup, results in the insertion of 7 amino acid(s) of the ARX protein (p.Ala109_Ala115dup), but otherwise preserves the integrity of the reading frame. The frequency data for this variant in the population databases is considered unreliable, as metrics indicate insufficient coverage at this position in the gnomAD database. This variant has been observed in individual(s) with early-onset epilepsy (PMID: 11889467, 15726411, 17664401, 26029707). In at least one individual the variant was observed to be de novo. It has also been observed to segregate with disease in related individuals. This variant is also known as c.333_334ins(GCG)7 and (GCG)10+7. Algorithms developed to predict the effect of variants on gene product structure and function are not available or were not evaluated for this variant. Experimental studies have shown that this variant affects ARX function (PMID: 17490853, 23246292). For these reasons, this variant has been classified as Pathogenic.

Unidad de Genómica Garrahan, Hospital de Pediatría Garrahan
Classification: Pathogenic for West syndrome. Last evaluated: 2023-12-15. Review status: criteria provided, single submitter. Criteria: ACMG Guidelines, 2015. Collection method: clinical testing. Allele origin: maternal. Affected: yes. Observed: 1 variant allele.

GeneDx
Classification: Pathogenic. Last evaluated: 2023-12-01. Review status: criteria provided, single submitter. Criteria: GeneDx Variant Classification Process June 2021. Collection method: clinical testing. Allele origin: germline. Affected: yes.
Comment: Alanine repeat expansion in the first polyalanine tract of the ARX protein, extending the allele to 23 repeats; Published functional studies demonstrate a damaging effect as expansions in the first polyalanine repeat track are suggested to interfere with ARX-related regulation of KDM5C resulting in the misregulation of numerous downstream processes (PMID: 23246292); Published mouse models have also displayed severe seizures and learning disabilities (PMID: 19605412); Not observed in large population cohorts (gnomAD); This variant is associated with the following publications: (PMID: 11889467, 22628459, 36571524, 17664401, 23583054, 21496008, 15726411, 26029707, 17490853, 20300201, 23246292, 19605412)

Women's Health and Genetics/Laboratory Corporation of America, LabCorp
Classification: Pathogenic for Intellectual disability, X-linked, with or without seizures, ARX-related. Last evaluated: 2023-07-10. Review status: criteria provided, single submitter. Criteria: LabCorp Variant Classification Summary - May 2015. Collection method: clinical testing. Allele origin: germline.
Comment: Variant summary: ARX c.315_335dup21 (p.Ala109_Ala115dup) results in an in-frame duplication that is predicted to duplicate 7 amino acids into the encoded protein, resulting in an expansion of the first polyalanine tract of Arx. The variant was absent in 106683 control chromosomes (gnomAD v3.1.2). The available data on variant occurrences in the general population are insufficient to allow any conclusion about variant significance. c.315_335dup21 has been reported in the literature in multiple hemizygotes affected with AXR-Related Disorder, including several de novo occurrences (e.g., Mirzaa_2013, Bertoli-Avella_2021). These data indicate that the variant is very likely be associated with disease. Several publications report experimental evidence evaluating an impact on protein function, finding that the variant lead to protein aggregation, mislocalization, and increased cell death in vitro (e.g., Masrallah_2004), and a mouse model of the variant displayed seizures as well as learning and memory defects (e.g., Kitamura_2009). The following publications have been ascertained in the context of this evaluation (PMID: 32860008, 23583054, 15533998, 19605412). Six submitters have reported clinical-significance assessments for this variant to ClinVar after 2014. All submitters classified the variant as pathogenic. Based on the evidence outlined above, the variant was classified as pathogenic.

3billion
Classification: Likely pathogenic for Developmental and epileptic encephalopathy, 1. Last evaluated: 2022-05-22. Review status: criteria provided, single submitter. Criteria: ACMG Guidelines, 2015. Collection method: clinical testing. Allele origin: germline. Affected: yes. Observed: 1 hemizygote.
Comment: This variant has been reported as pathogenic more than twice (ClinVar ID: VCV000011186), along with assertion criteria based on the ACMG guidelines. It is absent from the gnomAD v2.1.1 dataset. Therefore, this variant is classified as likely pathogenic according to the recommendation of ACMG/AMP guideline.

Athena Diagnostics
Classification: Pathogenic. Last evaluated: 2021-01-28. Review status: criteria provided, single submitter. Criteria: Athena Diagnostics criteria. Collection method: clinical testing. Allele origin: unknown.
Comment: This duplication results in the addition of 7 alanines within the first poly-alanine tract of the ARX gene, and has been referred to by various nomenclatures in published literature, including (GCG)10+7, c.333_334(GCG)7, and c.330ins(GCG)7 (see PMID: 26029707). This variant has not been reported in large, multi-ethnic general populations. This variant has been identified in multiple unrelated males with ARX-related disease, including both maternally inherited and apparent de novo cases. Assessment of experimental evidence suggests this variant results in abnormal protein function. Expression of this variant results in protein mislocalization and aggregation, and increased cell death (PMID: PMID: 17490853, 21496008). Mice carrying this variant display severe seizures and learning impairments (PMID: 19605412).

Ambry Genetics
Classification: Pathogenic for Inborn genetic diseases. Last evaluated: 2017-04-08. Review status: criteria provided, single submitter. Criteria: Ambry Variant Classification Scheme 2023. Collection method: clinical testing. Allele origin: germline.
Comment: The c.315_335dup21 pathogenic mutation (also known as p.A109_A115dup), located in coding exon 2 of the ARX gene, results from an in-frame duplication of 21 nucleotides at nucleotide positions 315 to 335. This results in the duplication of 7 extra residues (AAAAAAA) between codons 109 and 115, leading to an expansion of the first polyalanine tract from 16 to 23. This mutation was originally reported as (GCG)10+7 in two families with X-linked infantile spasm syndrome and West syndrome (Str&oslash;mme et al. Nat Genet. 2002 Apr;30(4):441-5). De novo occurrences of the mutation (described as c.333_334ins[GCG]7 and c.333_335dup(GGC)7) were also reported in multiple patients with mental retardation, dystonia, infantile-onset refractory epilepsy, and/or developmental delay (Guerrini et al. Neurology. 2007 Jul 31;69(5):427-33; Mirzaa et al. Pediatr. Neurol. 2013 May;48(5):367-77). In addition, expression of ARX protein harboring the 23 alanines was shown to cause protein aggregation, cell death, and mislocalization (Nasrallah et al. J Cell Biol. 2004 Nov 8;167(3):411-6; Fullston et al. Clin. Genet. 2011 Dec;80(6):510-22). Based on the supporting evidence, this alteration is interpreted as a disease-causing mutation.

NM_139058.3(ARX):c.306GGC[17] (p.Ala109_Ala115dup)

Genes: ARX (aristaless related homeobox; minus strand), LOC109610631 (aristaless related homeobox polyalanine expansion region; plus strand). Cytogenetic location: Xp21.3.
Variant type: Microsatellite.
Coding change: c.306GGC[17] on transcript NM_139058.3 (MANE Select); 17 copies in a row of the 3-base unit GGC starting at c.306; the reference has ten copies in a row; seven copies, 21 bases duplicated; also written c.315_335dup.
Protein change: p.Ala109_Ala115dup.
Molecular consequence: inframe insertion.
Genome position (GRCh38, 1-based): chrX:25,013,660-25,013,680, GCCGCCGCCGCCGCCGCCGCC duplicated on the plus strand (GGCGGCGGCGGCGGCGGCGGC on the coding strand, the reverse complement: ARX is on the minus strand); duplicating any 21 consecutive bases within chrX:25,013,660-25,013,691 gives the same sequence; the position shown is the placement nearest the transcript's 3' end. VCF-style (leftmost placement, unchanged base first): chrX-25013659-T-TGCCGCCGCCGCCGCCGCCGCC. GRCh37 (hg19) VCF-style: chrX-25031776-T-TGCCGCCGCCGCCGCCGCCGCC.
Other names: NP_620689.1:p.(Ala109_Ala115dup); c.315_335dupGGCGGCGGCGGCGGCGGCGGC (NM_139058.2); c.315_335dup (NM_139058.3).
Identifiers: ClinVar variation 11186 (VCV000011186.35), dbSNP rs387906492, ClinGen allele CA213330.